The following is an entry in ClinVar:

ClinVar aggregate classification (germline): Uncertain significance. Review status: criteria provided, multiple submitters, no conflicts (2 of 4 stars). 3 submissions from 3 submitters: Uncertain significance (2). 1 of the submissions does not count toward it. Last evaluated 2025-08-05.

Conditions:
Hereditary cancer-predisposing syndrome. Also called: Neoplastic Syndromes, Hereditary; Tumor predisposition; Hereditary Cancer Syndrome; Hereditary neoplastic syndrome. Identifiers: Orphanet 140162, MedGen C0027672, MeSH D009386, MONDO:0015356.
Tuberous sclerosis syndrome (TSC). Also called: Tuberous Sclerosis Complex; Tuberous sclerosis. Identifiers: Orphanet 805, MedGen C0041341, MONDO:0001734.
Tuberous sclerosis 2 (TSC2). Identifiers: Orphanet 805, MedGen C1860707, MONDO:0013199, OMIM 613254.

Allele frequency attached by ClinVar (database versions not stated): TOPMed below 0.00001.
gnomAD v4.1: 4 of 1,610,700 alleles (0.00025%); highest among the groups gnomAD compares: Non-Finnish European, 0.00034%; no homozygotes.

Submissions (3):

Ambry Genetics
Classification: Uncertain significance for Hereditary cancer-predisposing syndrome. Last evaluated: 2025-08-05. Review status: criteria provided, single submitter. Criteria: Ambry Variant Classification Scheme 2023. Collection method: clinical testing. Allele origin: germline.
Comment: The p.Q1792H variant (also known as c.5376G>C), located in coding exon 41 of the TSC2 gene, results from a G to C substitution at nucleotide position 5376. The glutamine at codon 1792 is replaced by histidine, an amino acid with highly similar properties. This amino acid position is highly conserved in available vertebrate species. In addition, this alteration is predicted to be deleterious by in silico analysis. Based on the available evidence, the clinical significance of this variant remains unclear.

Labcorp Genetics (formerly Invitae), Labcorp
Classification: Uncertain significance for Tuberous sclerosis 2. Last evaluated: 2022-03-05. Review status: criteria provided, single submitter. Criteria: Invitae Variant Classification Sherloc (09022015). Collection method: clinical testing. Allele origin: germline.
Comment: This variant has not been reported in the literature in individuals affected with TSC2-related conditions. In summary, the available evidence is currently insufficient to determine the role of this variant in disease. Therefore, it has been classified as a Variant of Uncertain Significance. Advanced modeling of protein sequence and biophysical properties (such as structural, functional, and spatial information, amino acid conservation, physicochemical variation, residue mobility, and thermodynamic stability) performed at Invitae indicates that this missense variant is not expected to disrupt TSC2 protein function. ClinVar contains an entry for this variant (Variation ID: 49940). This variant is not present in population databases (gnomAD no frequency). This sequence change replaces glutamine, which is neutral and polar, with histidine, which is basic and polar, at codon 1792 of the TSC2 protein (p.Gln1792His).

Tuberous sclerosis database (TSC2)
No classification provided. Condition: TSC. Review status: no classification provided. Criteria: Tuberous Sclerosis Database Assertion Criteria 2015. Collection method: curation. Allele origin: germline. Affected: yes. Not counted in ClinVar's aggregate classification.

NM_000548.5(TSC2):c.5376G>C (p.Gln1792His)

Gene: TSC2 (TSC complex subunit 2; plus strand). Cytogenetic location: 16p13.3.
Variant type: single nucleotide variant.
Coding change: c.5376G>C on transcript NM_000548.5 (MANE Select); coding-DNA position 5376, G replaced by C.
Protein change: p.Gln1792His; replaces glutamine 1792 with histidine.
Molecular consequence: missense variant.
Genome position (GRCh38, 1-based): chr16:2,088,562, G>C. VCF-style: chr16-2088562-G-C. GRCh37 (hg19) VCF-style: chr16-2138563-G-C.
Other names: c.5175G>C, p.Gln1725His (NM_001077183.3); c.5307G>C, p.Gln1769His (NM_001114382.3); c.5067G>C, p.Gln1689His (NM_001318827.2); c.5031G>C, p.Gln1677His (NM_001318829.2); c.4644G>C, p.Gln1548His (NM_001318831.2); c.5208G>C, p.Gln1736His (NM_001318832.2); c.5178G>C, p.Gln1726His (NM_001363528.2); c.5244G>C, p.Gln1748His (NM_001370404.1); and 2 more; short protein forms Q1792H, Q1677H, Q1725H, Q1726H, Q1736H, Q1748H, Q1548H, Q1689H.
Identifiers: ClinVar variation 49940 (VCV000049940.9), dbSNP rs45517422, ClinGen allele CA022432.
Genomic context (GRCh38, chr16:2,088,562, plus strand): 5'-CCATAGCAAAGCCCCTGCACAGACTCCAGCCGAGCCCACACCTGGCTATGAGGTGGGCCA[G>C]CGGAAGCGCCTCATCTCCTCGGTGGAGGACTTCACCGAGTTTGTGTGAGGCCGGGGCCCT-3'
Protein context (NP_000539.2, residues 1782-1802): AEPTPGYEVG[Gln1792His]RKRLISSVED